The following is an entry in ClinVar:

NM_002470.4(MYH3):c.3227A>C (p.Gln1076Pro)

Gene: MYH3 (myosin heavy chain 3; minus strand). Cytogenetic location: 17p13.1.
Variant type: single nucleotide variant.
Coding change: c.3227A>C on transcript NM_002470.4 (MANE Select); coding-DNA position 3227, A replaced by C.
Protein change: p.Gln1076Pro; replaces glutamine 1076 with proline.
Molecular consequence: missense variant.
Genome position (GRCh38, 1-based): chr17:10,639,065, T>G on the plus strand (A>C on the coding strand, the complement: MYH3 is on the minus strand). VCF-style: chr17-10639065-T-G. GRCh37 (hg19) VCF-style: chr17-10542382-T-G.
Other names: short protein forms Q1076P.
Identifiers: ClinVar variation 2572458 (VCV002572458.1), dbSNP rs2508596489, ClinGen allele CA398154083.

ClinVar aggregate classification (germline): Uncertain significance (1 of 4 stars; one submission).

Conditions:
Contractures, pterygia, and spondylocarpotarsal fusion syndrome 1A (CPSFS1A). Also called: Contractures, pterygia, and variable skeletal fusions syndrome 1A; MULTIPLE PTERYGIUM SYNDROME, AUTOSOMAL DOMINANT; Distal arthrogryposis type 8. Identifiers: Orphanet 65743, MedGen C1867440, MONDO:0008338, OMIM 178110.

Submission:

3billion
Classification: Uncertain significance for Contractures, pterygia, and spondylocarpotarsal fusion syndrome 1A. Review status: criteria provided, single submitter. Criteria: ACMG Guidelines, 2015. Collection method: clinical testing. Allele origin: unknown. Affected: yes. Observed: 1 heterozygote.
Comment: The variant is not observed in the gnomAD v2.1.1 dataset. Missense changes are a common disease-causing mechanism. In silico tool predictions suggest damaging effect of the variant on gene or gene product (REVEL: 0.84). Therefore, this variant is classified as Uncertain significance according to the recommendation of ACMG/AMP guideline.